The following is an entry in ClinVar:

NM_000352.6(ABCC8):c.403C>G (p.Leu135Val)

Gene: ABCC8 (ATP binding cassette subfamily C member 8; minus strand). Cytogenetic location: 11p15.1.
Variant type: single nucleotide variant.
Coding change: c.403C>G on transcript NM_000352.6 (MANE Select); coding-DNA position 403, C replaced by G.
Protein change: p.Leu135Val; replaces leucine 135 with valine.
Molecular consequence: missense variant. On other transcripts: non-coding transcript variant (1).
Genome position (GRCh38, 1-based): chr11:17,470,110, G>C on the plus strand (C>G on the coding strand, the complement: ABCC8 is on the minus strand). VCF-style: chr11-17470110-G-C. GRCh37 (hg19) VCF-style: chr11-17491657-G-C.
Other names: c.403C>G, p.Leu135Val (NM_001287174.3, NM_001351295.2, NM_001351296.2 and 1 more transcripts); short protein forms L135V.
Identifiers: ClinVar variation 446772 (VCV000446772.9), dbSNP rs368450282, ClinGen allele CA5903891.

ClinVar aggregate classification (germline): Uncertain significance. Review status: criteria provided, multiple submitters, no conflicts (2 of 4 stars). 6 submissions from 6 submitters: Uncertain significance (4). 2 of the submissions do not count toward it. Last evaluated 2025-12-30.

Conditions:
Hereditary hyperinsulinism.
Type 2 diabetes mellitus. Also called: Type II diabetes mellitus. Identifiers: MedGen C0011860, MeSH D003924, MONDO:0005148, OMIM 125853, HP:0005978.
Diabetes mellitus, permanent neonatal 3. Also called: ABCC8-Related Permanent Neonatal Diabetes Mellitus. Identifiers: MedGen C5394303, MONDO:0030088, OMIM 618857.
Hyperinsulinemic hypoglycemia, familial, 1 (HHF1). Also called: Persistent hyperinsulinemic hypoglycemia of infancy; Persistent Hyperinsulinemia Hypoglycemia of Infancy; HYPERINSULINISM, FAMILIAL, WITH PANCREATIC NESIDIOBLASTOSIS; HYPOGLYCEMIA, HYPERINSULINEMIC, OF INFANCY; NESIDIOBLASTOSIS OF PANCREAS. Identifiers: Orphanet 276575, Orphanet 276598, MedGen C2931832, MONDO:0009734, OMIM 256450.
Leucine-induced hypoglycemia (LIH). Also called: LEUCINE-SENSITIVE HYPOGLYCEMIA OF INFANCY. Identifiers: MedGen C0271714, MONDO:0009415, OMIM 240800.
Diabetes mellitus, transient neonatal, 2 (TNDM2). Identifiers: Orphanet 99886, MedGen C1835887, MONDO:0012480, OMIM 610374. Disease mechanism: loss of function.

Allele frequency attached by ClinVar (database versions not stated): ExAC 0.00003; gnomAD 0.00003 and 0.00004; gnomAD exomes 0.00003; TOPMed 0.00003; ESP Exome Variant Server 0.00008.
gnomAD v4.1: 53 of 1,614,030 alleles (0.0033%); highest among the groups gnomAD compares: Non-Finnish European, 0.0044%; no homozygotes.

Submissions (6):

Labcorp Genetics (formerly Invitae), Labcorp
Classification: Uncertain significance. Last evaluated: 2025-12-30. Review status: criteria provided, single submitter. Criteria: Invitae Variant Classification Sherloc (09022015). Collection method: clinical testing. Allele origin: germline.
Comment: This sequence change replaces leucine, which is neutral and non-polar, with valine, which is neutral and non-polar, at codon 135 of the ABCC8 protein (p.Leu135Val). This variant is present in population databases (rs368450282, gnomAD 0.006%). This missense change has been observed in individual(s) with autosomal recessive diffuse congenital hyperinsulinism (PMID: 20685672). ClinVar contains an entry for this variant (Variation ID: 446772). Invitae Evidence Modeling of protein sequence and biophysical properties (such as structural, functional, and spatial information, amino acid conservation, physicochemical variation, residue mobility, and thermodynamic stability) indicates that this missense variant is expected to disrupt ABCC8 protein function with a positive predictive value of 80%. Experimental studies have shown that this missense change affects ABCC8 function (PMID: 30354297). Algorithms developed to predict the effect of sequence changes on RNA splicing suggest that this variant may create or strengthen a splice site. In summary, the available evidence is currently insufficient to determine the role of this variant in disease. Therefore, it has been classified as a Variant of Uncertain Significance.

GeneDx
Classification: Uncertain significance. Last evaluated: 2025-07-31. Review status: criteria provided, single submitter. Criteria: GeneDx Variant Classification Process June 2021. Collection method: clinical testing. Allele origin: germline. Affected: yes.
Comment: Reported in a patient with congenital hyperinsulinsim in published literature; clinical and molecular data are limited (PMID: 20685672); In silico analysis supports a deleterious effect on splicing; In silico analysis suggests that this missense variant does not alter protein structure/function; This variant is associated with the following publications: (PMID: 30354297, 32882918, 31132951, 20685672)

Fulgent Genetics
Classification: Uncertain significance for Type 2 diabetes mellitus; Leucine-induced hypoglycemia; Hyperinsulinemic hypoglycemia, familial, 1; Diabetes mellitus, transient neonatal, 2; Diabetes mellitus, permanent neonatal 3. Last evaluated: 2024-06-16. Review status: criteria provided, single submitter. Criteria: ACMG Guidelines, 2015. Collection method: clinical testing. Allele origin: germline.

Athena Diagnostics
Classification: Uncertain significance. Last evaluated: 2017-05-17. Review status: criteria provided, single submitter. Criteria: Athena Diagnostics Criteria. Collection method: clinical testing. Allele origin: germline.

Natera, Inc.
Classification: Uncertain significance for Hereditary hyperinsulinism. Last evaluated: 2020-09-16. Review status: no assertion criteria provided. Collection method: clinical testing. Allele origin: germline. Not counted in ClinVar's aggregate classification.

Counsyl
Classification: Uncertain significance for Hyperinsulinemic hypoglycemia, familial, 1. Last evaluated: 2018-01-08. Review status: no assertion criteria provided. Collection method: clinical testing. Allele origin: unknown. Not counted in ClinVar's aggregate classification.

Literature cited by the submitters: PubMed 20685672 (cited by 3 submitters); PubMed 30354297 (cited by Labcorp Genetics (formerly Invitae), Labcorp).